The following is an entry in ClinVar:

ClinVar aggregate classification (germline): Uncertain significance (1 of 4 stars; one submission).

gnomAD v4.1: 1 of 1,614,066 alleles (0.000062%); highest among the groups gnomAD compares: Non-Finnish European, 0.000085%; no homozygotes.

Submission:

Labcorp Genetics (formerly Invitae), Labcorp
Classification: Uncertain significance. Last evaluated: 2024-11-21. Review status: criteria provided, single submitter. Criteria: Invitae Variant Classification Sherloc (09022015). Collection method: clinical testing. Allele origin: germline.
Comment: This sequence change replaces isoleucine, which is neutral and non-polar, with asparagine, which is neutral and polar, at codon 822 of the MTOR protein (p.Ile822Asn). This variant is present in population databases (no rsID available, gnomAD 0.0009%). This variant has not been reported in the literature in individuals affected with MTOR-related conditions. Invitae Evidence Modeling of protein sequence and biophysical properties (such as structural, functional, and spatial information, amino acid conservation, physicochemical variation, residue mobility, and thermodynamic stability) indicates that this missense variant is not expected to disrupt MTOR protein function with a negative predictive value of 95%. In summary, the available evidence is currently insufficient to determine the role of this variant in disease. Therefore, it has been classified as a Variant of Uncertain Significance.

NM_004958.4(MTOR):c.2465T>A (p.Ile822Asn)

Gene: MTOR (mechanistic target of rapamycin kinase; minus strand). Cytogenetic location: 1p36.22.
Variant type: single nucleotide variant.
Coding change: c.2465T>A on transcript NM_004958.4 (MANE Select); coding-DNA position 2465, T replaced by A.
Protein change: p.Ile822Asn; replaces isoleucine 822 with asparagine.
Molecular consequence: missense variant.
Genome position (GRCh38, 1-based): chr1:11,232,485, A>T on the plus strand (T>A on the coding strand, the complement: MTOR is on the minus strand). VCF-style: chr1-11232485-A-T. GRCh37 (hg19) VCF-style: chr1-11292542-A-T.
Other names: c.2465T>A, p.Ile822Asn (NM_001386500.1); c.1217T>A, p.Ile406Asn (NM_001386501.1); short protein forms I406N, I822N.
Identifiers: ClinVar variation 3705425 (VCV003705425.2).